The following is an entry in ClinVar:

ClinVar aggregate classification (germline): Uncertain significance (1 of 4 stars; one submission).

Conditions:
Beckwith-Wiedemann syndrome (BWS). Also called: Exomphalos macroglossia gigantism syndrome; EMG SYNDROME. Identifiers: Orphanet 116, MedGen C0004903, MONDO:0007534, OMIM 130650.

Submission:

Labcorp Genetics (formerly Invitae), Labcorp
Classification: Uncertain significance for Beckwith-Wiedemann syndrome. Last evaluated: 2023-05-11. Review status: criteria provided, single submitter. Criteria: Invitae Variant Classification Sherloc (09022015). Collection method: clinical testing. Allele origin: germline.
Comment: In summary, the available evidence is currently insufficient to determine the role of this variant in disease. Therefore, it has been classified as a Variant of Uncertain Significance. Advanced modeling of protein sequence and biophysical properties (such as structural, functional, and spatial information, amino acid conservation, physicochemical variation, residue mobility, and thermodynamic stability) performed at Invitae indicates that this missense variant is not expected to disrupt CDKN1C protein function. ClinVar contains an entry for this variant (Variation ID: 2074964). This variant has not been reported in the literature in individuals affected with CDKN1C-related conditions. This variant is not present in population databases (gnomAD no frequency). This sequence change replaces valine, which is neutral and non-polar, with glycine, which is neutral and non-polar, at codon 23 of the CDKN1C protein (p.Val23Gly).

NM_001122630.2(CDKN1C):c.35T>G (p.Val12Gly)

Gene: CDKN1C (cyclin dependent kinase inhibitor 1C; minus strand). Cytogenetic location: 11p15.4.
Variant type: single nucleotide variant.
Coding change: c.35T>G on transcript NM_001122630.2 (MANE Select); coding-DNA position 35, T replaced by G.
Protein change: p.Val12Gly; replaces valine 12 with glycine.
Molecular consequence: missense variant.
Genome position (GRCh38, 1-based): chr11:2,885,422, A>C on the plus strand (T>G on the coding strand, the complement: CDKN1C is on the minus strand). VCF-style: chr11-2885422-A-C. GRCh37 (hg19) VCF-style: chr11-2906652-A-C.
Other names: c.68T>G, p.Val23Gly (NM_000076.2, NM_001362474.2); c.35T>G, p.Val12Gly (NM_001122631.2, NM_001362475.2); short protein forms V12G, V23G.
Identifiers: ClinVar variation 2074964 (VCV002074964.4), dbSNP rs2494390997, ClinGen allele CA379147880.